The following is an entry in ClinVar:

NM_000276.4(OCRL):c.2456G>C (p.Arg819Pro)

Gene: OCRL (OCRL inositol polyphosphate-5-phosphatase; plus strand). Cytogenetic location: Xq26.1.
Variant type: single nucleotide variant.
Coding change: c.2456G>C on transcript NM_000276.4 (MANE Select); coding-DNA position 2456, G replaced by C.
Protein change: p.Arg819Pro; replaces arginine 819 with proline.
Molecular consequence: missense variant.
Genome position (GRCh38, 1-based): chrX:129,589,000, G>C. VCF-style: chrX-129589000-G-C. GRCh37 (hg19) VCF-style: chrX-128722977-G-C.
Other names: c.2459G>C, p.Arg820Pro (NM_001318784.2); c.2432G>C, p.Arg811Pro (NM_001587.4); c.2456G>C (NM_000276.3); short protein forms R811P, R820P, R819P.
Identifiers: ClinVar variation 1973775 (VCV001973775.5), dbSNP rs1312488743, ClinGen allele CA414631503.
Genomic context (GRCh38, chrX:129,589,000, plus strand): 5'-CAGAGCCAGTCATCTGTTACGAGCTGTATCAGCGATGTCTTGACTCTGCTTATGATCCCC[G>C]GATCTGCCGACAGGTGGGTTCTACTGACCTGGGGATGTGTTTGACGCAGATTGCCCCATA-3'
Protein context (NP_000267.2, residues 809-829): QRCLDSAYDP[Arg819Pro]ICRQVISQLP

ClinVar aggregate classification (germline): Uncertain significance. Review status: criteria provided, multiple submitters, no conflicts (2 of 4 stars). 2 submissions from 2 submitters: Uncertain significance (2). Last evaluated 2025-01-30.

Conditions:
Lowe syndrome (OCRL). Also called: Oculocerebrorenal Syndrome; LOWE OCULOCEREBRORENAL SYNDROME; PHOSPHATIDYLINOSITOL 4,5-BISPHOSPHATE 5-PHOSPHATASE DEFICIENCY. Identifiers: Orphanet 534, MedGen C0028860, MONDO:0010645, OMIM 309000.
Nephrolithiasis/nephrocalcinosis. Identifiers: MedGen CN580796.

Allele frequency attached by ClinVar (database versions not stated): gnomAD 0.00004.
gnomAD v4.1: 11 of 1,209,922 alleles (0.00091%); highest among the groups gnomAD compares: African/African-American, 0.0017%; no homozygotes.

Submissions (2):

Labcorp Genetics (formerly Invitae), Labcorp
Classification: Uncertain significance for Lowe syndrome. Last evaluated: 2025-01-30. Review status: criteria provided, single submitter. Criteria: Invitae Variant Classification Sherloc (09022015). Collection method: clinical testing. Allele origin: germline.
Comment: This sequence change replaces arginine, which is basic and polar, with proline, which is neutral and non-polar, at codon 819 of the OCRL protein (p.Arg819Pro). This variant is present in population databases (no rsID available, gnomAD 0.001%). This variant has not been reported in the literature in individuals affected with OCRL-related conditions. ClinVar contains an entry for this variant (Variation ID: 1973775). Invitae Evidence Modeling of protein sequence and biophysical properties (such as structural, functional, and spatial information, amino acid conservation, physicochemical variation, residue mobility, and thermodynamic stability) indicates that this missense variant is not expected to disrupt OCRL protein function with a negative predictive value of 80%. In summary, the available evidence is currently insufficient to determine the role of this variant in disease. Therefore, it has been classified as a Variant of Uncertain Significance.

Ambry Genetics
Classification: Uncertain significance for Nephrolithiasis/nephrocalcinosis. Last evaluated: 2023-10-06. Review status: criteria provided, single submitter. Criteria: Ambry Variant Classification Scheme 2023. Collection method: clinical testing. Allele origin: germline.